The following is an entry in ClinVar:

ClinVar aggregate classification (germline): Uncertain significance (1 of 4 stars; one submission).

Conditions:
SH3BP2-related disorder. Also called: SH3BP2-related condition.

Allele frequency attached by ClinVar (database versions not stated): gnomAD exomes below 0.00001.
gnomAD v4.1: 1 of 1,614,186 alleles (0.000062%); highest among the groups gnomAD compares: Middle Eastern, 0.017%; no homozygotes.

Submission:

PreventionGenetics, part of Exact Sciences
Classification: Uncertain significance for SH3BP2-related condition. Last evaluated: 2023-06-27. Review status: criteria provided, single submitter. Criteria: ACMG Guidelines, 2015. Collection method: clinical testing. Allele origin: germline.
Comment: The SH3BP2 c.59T>A variant is predicted to result in the amino acid substitution p.Leu20Gln. To our knowledge, this variant has not been reported in the literature or in a large population database, indicating this variant is rare. At this time, the clinical significance of this variant is uncertain due to the absence of conclusive functional and genetic evidence.

NM_001122681.2(SH3BP2):c.59T>A (p.Leu20Gln)

Gene: SH3BP2 (SH3 domain binding protein 2; plus strand). Cytogenetic location: 4p16.3.
Variant type: single nucleotide variant.
Coding change: c.59T>A on transcript NM_001122681.2 (MANE Select); coding-DNA position 59, T replaced by A.
Protein change: p.Leu20Gln; replaces leucine 20 with glutamine.
Molecular consequence: missense variant.
Genome position (GRCh38, 1-based): chr4:2,820,676, T>A. VCF-style: chr4-2820676-T-A. GRCh37 (hg19) VCF-style: chr4-2822403-T-A.
Other names: c.143T>A, p.Leu48Gln (NM_001145855.2); c.230T>A, p.Leu77Gln (NM_001145856.2); c.59T>A, p.Leu20Gln (NM_003023.4); short protein forms L20Q, L48Q, L77Q.
Identifiers: ClinVar variation 2632689 (VCV002632689.1), dbSNP rs2530312324, ClinGen allele CA356052918.
Genomic context (GRCh38, chr4:2,820,676, plus strand): 5'-TCATGGCGGCTGAAGAGATGCATTGGCCTGTCCCTATGAAGGCCATTGGTGCCCAGAACC[T>A]GCTAACCATGCCTGGGGGCGTGGCCAAGGCTGGCTACCTGCACAAGAAGGGCGGTACCCA-3'
Protein context (NP_001116153.1, residues 10-30): VPMKAIGAQN[Leu20Gln]LTMPGGVAKA